The following is an entry in ClinVar:

ClinVar aggregate classification (germline): Likely benign. Review status: criteria provided, single submitter (1 of 4 stars). 2 submissions from 2 submitters: Likely benign (1). 1 of the submissions does not count toward it. Last evaluated 2025-07-21.

Conditions:
PHIP-related disorder. Also called: PHIP-related disorders; PHIP-related condition.

Allele frequency attached by ClinVar (database versions not stated): gnomAD exomes below 0.00001.
gnomAD v4.1: 5 of 1,614,048 alleles (0.00031%); highest among the groups gnomAD compares: Non-Finnish European, 0.00042%; no homozygotes.

Submissions (2):

Labcorp Genetics (formerly Invitae), Labcorp
Classification: Likely benign. Last evaluated: 2025-07-21. Review status: criteria provided, single submitter. Criteria: Invitae Variant Classification Sherloc (09022015). Collection method: clinical testing. Allele origin: germline.

PreventionGenetics, part of Exact Sciences
Classification: Likely benign for PHIP-related condition. Last evaluated: 2024-06-07. Review status: no assertion criteria provided. Collection method: clinical testing. Allele origin: germline. Not counted in ClinVar's aggregate classification.
Comment: This variant is classified as likely benign based on ACMG/AMP sequence variant interpretation guidelines (Richards et al. 2015 PMID: 25741868, with internal and published modifications).

NM_017934.7(PHIP):c.2139G>A (p.Glu713=)

Gene: PHIP (PHIP subunit of CUL4-Ring ligase complex; minus strand). Cytogenetic location: 6q14.1.
Variant type: single nucleotide variant.
Coding change: c.2139G>A on transcript NM_017934.7 (MANE Select); coding-DNA position 2139, G replaced by A.
Protein change: p.Glu713=; no amino-acid change (glutamic acid 713 retained).
Molecular consequence: synonymous variant.
Genome position (GRCh38, 1-based): chr6:78,997,476, C>T on the plus strand (G>A on the coding strand, the complement: PHIP is on the minus strand). VCF-style: chr6-78997476-C-T. GRCh37 (hg19) VCF-style: chr6-79707193-C-T.
Other names: c.2139G>A (NM_017934.6).
Identifiers: ClinVar variation 2026493 (VCV002026493.5), dbSNP rs1769695394, ClinGen allele CA451003669.